The following is an entry in ClinVar:

ClinVar aggregate classification (germline): Uncertain significance (1 of 4 stars; one submission).

Conditions:
Hypertrophic cardiomyopathy. Also called: HYPERTROPHIC MYOCARDIOPATHY. Identifiers: Orphanet 217569, MedGen C0007194, MeSH D002312, MONDO:0005045, HP:0001639.

Submission:

Labcorp Genetics (formerly Invitae), Labcorp
Classification: Uncertain significance for Hypertrophic cardiomyopathy. Last evaluated: 2017-11-03. Review status: criteria provided, single submitter. Criteria: Invitae Variant Classification Sherloc (09022015). Collection method: clinical testing. Allele origin: germline.
Comment: This variant is found within a region of MYH7 between codons 181 and 937 that contains the majority of the myosin head domain. Missense variants in this region have been shown to be significantly overrepresented in individuals with hypertrophic cardiomyopathy (PMID: 27532257). In summary, the available evidence is currently insufficient to determine the role of this variant in disease. Therefore, it has been classified as a Variant of Uncertain Significance. An algorithm developed specifically for the MYH7 gene suggests that this missense change is likely to be deleterious (PMID: 21310275). However, this prediction has not been confirmed by published functional studies and its clinical significance is uncertain. This variant has not been reported in the literature in individuals with MYH7-related disease. This variant is not present in population databases (ExAC no frequency). This sequence change replaces serine with threonine at codon 392 of the MYH7 protein (p.Ser392Thr). The serine residue is highly conserved and there is a small physicochemical difference between serine and threonine.

Literature cited by the submitters: PubMed 27532257; PubMed 21310275.

NM_000257.4(MYH7):c.1174T>A (p.Ser392Thr)

Gene: MYH7 (myosin heavy chain 7; minus strand). Cytogenetic location: 14q11.2.
Variant type: single nucleotide variant.
Coding change: c.1174T>A on transcript NM_000257.4 (MANE Select); coding-DNA position 1174, T replaced by A.
Protein change: p.Ser392Thr; replaces serine 392 with threonine.
Molecular consequence: missense variant.
Genome position (GRCh38, 1-based): chr14:23,429,312, A>T on the plus strand (T>A on the coding strand, the complement: MYH7 is on the minus strand). VCF-style: chr14-23429312-A-T. GRCh37 (hg19) VCF-style: chr14-23898521-A-T.
Other names: short protein forms S392T.
Identifiers: ClinVar variation 525024 (VCV000525024.8), dbSNP rs1555338377, ClinGen allele CA389051184.